The following is an entry in ClinVar:

ClinVar aggregate classification (germline): Uncertain significance (1 of 4 stars; one submission).

Conditions:
Atrioventricular septal defect 4 (AVSD4). Identifiers: MedGen C3280781, MONDO:0013747, OMIM 614430.

Submission:

Labcorp Genetics (formerly Invitae), Labcorp
Classification: Uncertain significance for Atrioventricular septal defect 4. Last evaluated: 2018-10-22. Review status: criteria provided, single submitter. Criteria: Invitae Variant Classification Sherloc (09022015). Collection method: clinical testing. Allele origin: germline.
Comment: This variant, c.363_368delCGCCGC, results in the deletion of 2 amino acids of the GATA4 protein (p.Ala125_Ala126del), but otherwise preserves the integrity of the reading frame. In summary, the available evidence is currently insufficient to determine the role of this variant in disease. Therefore, it has been classified as a Variant of Uncertain Significance. Experimental studies and prediction algorithms are not available for this variant, and the functional significance of the affected amino acids is currently unknown. This variant has not been reported in the literature in individuals with GATA4-related disease. The frequency data for this variant in the population databases is considered unreliable, as metrics indicate insufficient coverage at this position in the ExAC database.

NM_001308093.3(GATA4):c.357CGC[2] (p.Ala125_Ala126del)

Gene: GATA4 (GATA binding protein 4). Cytogenetic location: 8p23.1.
Variant type: Microsatellite.
Coding change: c.357CGC[2] on transcript NM_001308093.3 (MANE Select); two copies in a row of the 3-base unit CGC starting at c.357.
Protein change: p.Ala125_Ala126del.
Molecular consequence: inframe deletion. On other transcripts: intron variant (3).
Genome position: GRCh38 VCF-style: chr8-11708666-GGCCGCC-G. GRCh37 (hg19) VCF-style: chr8-11566175-GGCCGCC-G.
Other names: c.357CGC[2], p.Ala125_Ala126del (NM_002052.5); c.-6+7889GCC[2] (NM_001308094.2); c.-3+653GCC[2] (NM_001374274.1); c.-3+4363GCC[2] (NM_001374273.1).
Identifiers: ClinVar variation 656365 (VCV000656365.8), dbSNP rs1182566703, ClinGen allele CA915945606.